The following is an entry in ClinVar:

ClinVar aggregate classification (germline): Uncertain significance. Review status: criteria provided, multiple submitters, no conflicts (2 of 4 stars). 2 submissions from 2 submitters: Uncertain significance (2). Last evaluated 2025-01-11.

Conditions:
Inborn genetic diseases. Identifiers: MedGen C0950123, MeSH D030342.

Submissions (2):

Labcorp Genetics (formerly Invitae), Labcorp
Classification: Uncertain significance. Last evaluated: 2025-01-11. Review status: criteria provided, single submitter. Criteria: Invitae Variant Classification Sherloc (09022015). Collection method: clinical testing. Allele origin: germline.
Comment: This sequence change replaces arginine, which is basic and polar, with glutamine, which is neutral and polar, at codon 1247 of the ZNF142 protein (p.Arg1247Gln). This variant is present in population databases (rs201991774, gnomAD 0.03%). This variant has not been reported in the literature in individuals affected with ZNF142-related conditions. An algorithm developed to predict the effect of missense changes on protein structure and function outputs the following: PolyPhen-2: "Possibly Damaging". The glutamine amino acid residue is found in multiple mammalian species, which suggests that this missense change does not adversely affect protein function. In summary, the available evidence is currently insufficient to determine the role of this variant in disease. Therefore, it has been classified as a Variant of Uncertain Significance.

Ambry Genetics
Classification: Uncertain significance for Inborn genetic diseases. Last evaluated: 2024-05-01. Review status: criteria provided, single submitter. Criteria: Ambry Variant Classification Scheme 2023. Collection method: clinical testing. Allele origin: germline.

NM_001379659.1(ZNF142):c.4340G>A (p.Arg1447Gln)

Gene: ZNF142 (zinc finger protein 142; minus strand). Cytogenetic location: 2q35.
Variant type: single nucleotide variant.
Coding change: c.4340G>A on transcript NM_001379659.1 (MANE Select); coding-DNA position 4340, G replaced by A.
Protein change: p.Arg1447Gln; replaces arginine 1447 with glutamine.
Molecular consequence: missense variant.
Genome position (GRCh38, 1-based): chr2:218,642,776, C>T on the plus strand (G>A on the coding strand, the complement: ZNF142 is on the minus strand). VCF-style: chr2-218642776-C-T. GRCh37 (hg19) VCF-style: chr2-219507499-C-T.
Other names: c.3740G>A, p.Arg1247Gln (NM_001105537.5, NM_001366291.3, NM_001379662.1); c.3251G>A, p.Arg1084Gln (NM_001366287.3, NM_001366288.3, NM_001366289.3); c.4340G>A, p.Arg1447Gln (NM_001366290.3, NM_001379660.1, NM_001379661.1); short protein forms R1084Q, R1247Q, R1447Q.
Identifiers: ClinVar variation 3334970 (VCV003334970.2).